The following is an entry in ClinVar:

NM_003001.5(SDHC):c.*20T>G

Gene: SDHC (succinate dehydrogenase complex subunit C; plus strand). Cytogenetic location: 1q23.3.
Variant type: single nucleotide variant.
Coding change: c.*20T>G on transcript NM_003001.5 (MANE Select); 20 bases downstream of the stop codon, T replaced by G.
Molecular consequence: 3 prime UTR variant. On other transcripts: missense variant (3).
Genome position (GRCh38, 1-based): chr1:161,362,453, T>G. VCF-style: chr1-161362453-T-G. GRCh37 (hg19) VCF-style: chr1-161332243-T-G.
Other names: c.366T>G, p.His122Gln (NM_001035511.3); c.*20T>G (NM_001035512.3, NM_001035513.3, NM_001407115.1 and 5 more transcripts); c.264T>G, p.His88Gln (NM_001278172.3); c.309T>G, p.His103Gln (NM_001407121.1); c.366T>G (NM_001035511.1); short protein forms H122Q, H88Q, H103Q.
Identifiers: ClinVar variation 135195 (VCV000135195.6), dbSNP rs587778662, ClinGen allele CA011468.

ClinVar aggregate classification (germline): Conflicting classifications of pathogenicity. Review status: criteria provided, conflicting classifications (1 of 4 stars). 4 submissions from 4 submitters: Uncertain significance (1); Likely benign (1). 2 of the submissions do not count toward it. Last evaluated 2026-07-02.

Conditions:
Hereditary cancer-predisposing syndrome. Also called: Tumor predisposition; Hereditary neoplastic syndrome; Hereditary Cancer Syndrome; Neoplastic Syndromes, Hereditary. Identifiers: Orphanet 140162, MedGen C0027672, MeSH D009386, MONDO:0015356.
Pheochromocytoma/paraganglioma syndrome 3. Also called: SDHC-Related Hereditary Paraganglioma-Pheochromocytoma Syndrome (Paragangliomas 3); SDHC-Related Hereditary Paraganglioma-Pheochromocytoma Syndrome; GLOMUS TUMORS, FAMILIAL, 3; Paragangliomas 3. Identifiers: Orphanet 29072, MedGen C1854336, MONDO:0011544, OMIM 605373.

Allele frequency attached by ClinVar (database versions not stated): gnomAD 0.00002; ExAC 0.00001; TOPMed 0.00001; gnomAD exomes 0.00002 and 0.00001.
gnomAD v4.1: 31 of 1,612,818 alleles (0.0019%); highest among the groups gnomAD compares: Non-Finnish European, 0.0024%; no homozygotes.

Submissions (4):

Ambry Genetics
Classification: Uncertain significance for Hereditary cancer-predisposing syndrome. Last evaluated: 2026-07-02. Review status: criteria provided, single submitter. Criteria: Ambry Variant Classification Scheme 2023. Collection method: clinical testing. Allele origin: germline.
Comment: The p.H122Q variant (also known as c.366T>G), located in coding exon 5 of the SDHC gene, results from a T to G substitution at nucleotide position 366. The histidine at codon 122 is replaced by glutamine, an amino acid with highly similar properties. This amino acid position is conserved. In addition, this alteration is predicted to be tolerated by in silico analysis. Based on the available evidence, the clinical significance of this variant remains unclear.

GeneDx
Classification: Likely benign. Last evaluated: 2025-05-15. Review status: criteria provided, single submitter. Criteria: GeneDx Variant Classification Process June 2021. Collection method: clinical testing. Allele origin: germline. Affected: yes.
Comment: See Variant Classification Assertion Criteria.

Counsyl
Classification: Uncertain significance for Pheochromocytoma/paraganglioma syndrome 3. Last evaluated: 2015-12-01. Review status: no assertion criteria provided. Collection method: clinical testing. Allele origin: unknown. Not counted in ClinVar's aggregate classification.

ITMI
No classification provided. Condition: AllHighlyPenetrant. Last evaluated: 2013-09-19. Review status: no classification provided. Collection method: reference population. Allele origin: germline. Not counted in ClinVar's aggregate classification.
Comment: Please see associated publication for description of ethnicities

Literature cited by the submitters: PubMed 24728327 (cited by Counsyl and ITMI).